The following is an entry in ClinVar:

NM_000578.4(SLC11A1):c.984C>A (p.His328Gln)

Gene: SLC11A1 (solute carrier family 11 member 1; plus strand). Cytogenetic location: 2q35.
Variant type: single nucleotide variant.
Coding change: c.984C>A on transcript NM_000578.4 (MANE Select); coding-DNA position 984, C replaced by A.
Protein change: p.His328Gln; replaces histidine 328 with glutamine.
Molecular consequence: missense variant.
Genome position (GRCh38, 1-based): chr2:218,391,227, C>A. VCF-style: chr2-218391227-C-A. GRCh37 (hg19) VCF-style: chr2-219255950-C-A.
Other names: short protein forms H328Q.
Identifiers: ClinVar variation 2389641 (VCV002389641.10), dbSNP rs377625960, ClinGen allele CA2105148.

ClinVar aggregate classification (germline): Conflicting classifications of pathogenicity. Review status: criteria provided, conflicting classifications (1 of 4 stars). 2 submissions from 2 submitters: Uncertain significance (1); Likely benign (1). Last evaluated 2025-03-01.

Allele frequency attached by ClinVar (database versions not stated): ExAC 0.00002; gnomAD 0.00005; TOPMed 0.00006; ESP Exome Variant Server 0.00015.
gnomAD v4.1: 98 of 1,613,792 alleles (0.0061%); highest among the groups gnomAD compares: Non-Finnish European, 0.0081%; no homozygotes.

Submissions (2):

CeGaT Center for Human Genetics Tuebingen
Classification: Likely benign. Last evaluated: 2025-03-01. Review status: criteria provided, single submitter. Criteria: CeGaT Center For Human Genetics Tuebingen Variant Classification Criteria Version 2. Collection method: clinical testing. Allele origin: germline. Affected: yes. Observed: 1 variant allele.
Comment: SLC11A1: BP4

Ambry Genetics
Classification: Uncertain significance. Last evaluated: 2024-12-06. Review status: criteria provided, single submitter. Criteria: Ambry Variant Classification Scheme 2023. Collection method: clinical testing. Allele origin: germline.